The following is an entry in ClinVar:

NM_198252.3(GSN):c.1694C>T (p.Thr565Met)

Gene: GSN (gelsolin; plus strand). Cytogenetic location: 9q33.2.
Variant type: single nucleotide variant.
Coding change: c.1694C>T on transcript NM_198252.3 (MANE Select); coding-DNA position 1694, C replaced by T.
Protein change: p.Thr565Met; replaces threonine 565 with methionine.
Molecular consequence: missense variant.
Genome position (GRCh38, 1-based): chr9:121,327,414, C>T. VCF-style: chr9-121327414-C-T. GRCh37 (hg19) VCF-style: chr9-124089692-C-T.
Other names: p.Thr616Met; c.1847C>T, p.Thr616Met (NM_000177.5); c.1694C>T, p.Thr565Met (NM_001127662.2, NM_001127664.2, NM_001127665.2 and 10 more transcripts); c.1802C>T, p.Thr601Met (NM_001127663.2); c.1727C>T, p.Thr576Met (NM_001127666.2, NM_001127667.2, NM_001353063.2 and 13 more transcripts); c.1745C>T, p.Thr582Met (NM_001258029.2); c.1718C>T, p.Thr573Met (NM_001258030.2); c.1766C>T, p.Thr589Met (NM_001353076.2); and 1 more; short protein forms T576M, T616M, T589M, T573M, T601M, T347M, T565M, T582M.
Identifiers: ClinVar variation 364824 (VCV000364824.15), dbSNP rs76463933, ClinGen allele CA5221385.

ClinVar aggregate classification (germline): Benign. Review status: criteria provided, multiple submitters, no conflicts (2 of 4 stars). 5 submissions from 5 submitters: Benign (5). Last evaluated 2026-02-03.

Conditions:
Finnish type amyloidosis. Also called: AMYLOID CRANIAL NEUROPATHY WITH LATTICE CORNEAL DYSTROPHY; AMYLOIDOSIS DUE TO MUTANT GELSOLIN; Lattice corneal dystrophy associated with familial systemic amyloidosis; Meretoja's syndrome; Lattice dystrophy of the cornea with hereditary generalized amyloidosis; Amyloidosis, familial, Finnish type. Identifiers: Orphanet 85448, MedGen C1622345, MONDO:0007097, OMIM 105120.

Allele frequency attached by ClinVar (database versions not stated): gnomAD exomes 0.03291 and 0.03470; ExAC 0.04785; 1000 Genomes Project 0.05551; gnomAD 0.05730 and 0.05893; 1000 Genomes Project 30x 0.05903; TOPMed 0.06117; ESP Exome Variant Server 0.06506.
gnomAD v4.1: 57,046 of 1,610,990 alleles (3.5%); highest among the groups gnomAD compares: African/African-American, 13%; 1,584 homozygotes.

Submissions (5):

Labcorp Genetics (formerly Invitae), Labcorp
Classification: Benign. Last evaluated: 2026-02-03. Review status: criteria provided, single submitter. Criteria: Invitae Variant Classification Sherloc (09022015). Collection method: clinical testing. Allele origin: germline.

Mayo Clinic Laboratories, Mayo Clinic
Classification: Benign. Last evaluated: 2022-03-09. Review status: criteria provided, single submitter. Criteria: ACMG Guidelines, 2015. Collection method: clinical testing. Allele origin: germline. Observed: 85 variant alleles.

GeneDx
Classification: Benign. Last evaluated: 2021-05-05. Review status: criteria provided, single submitter. Criteria: GeneDx Variant Classification Process June 2021. Collection method: clinical testing. Allele origin: germline. Affected: yes.

Illumina Laboratory Services, Illumina
Classification: Benign for Finnish type amyloidosis. Last evaluated: 2018-01-13. Review status: criteria provided, single submitter. Criteria: ICSL Variant Classification Criteria 13 December 2019. Collection method: clinical testing. Allele origin: germline.
Comment: This variant was observed in the ICSL laboratory as part of a predisposition screen in an ostensibly healthy population. It had not been previously curated by ICSL or reported in the Human Gene Mutation Database (HGMD: prior to June 1st, 2018), and was therefore a candidate for classification through an automated scoring system. Utilizing variant allele frequency, disease prevalence and penetrance estimates, and inheritance mode, an automated score was calculated to assess if this variant is too frequent to cause the disease. Based on the score and internal cut-off values, a variant classified as benign is not then subjected to further curation. The score for this variant resulted in a classification of benign for this disease.

Breakthrough Genomics
Classification: Benign. Review status: criteria provided, single submitter. Criteria: ACMG Guidelines, 2015. Collection method: not provided. Allele origin: germline. Inheritance: Autosomal dominant inheritance. Affected: yes.